The following is an entry in ClinVar:

ClinVar aggregate classification (germline): Uncertain significance (1 of 4 stars; one submission).

Conditions:
Familial cancer of breast. Also called: hereditary breast carcinoma; Hereditary breast cancer; BREAST CANCER, FAMILIAL. Identifiers: Orphanet 227535, MedGen C0346153, MONDO:0016419, OMIM 114480. Disease mechanism: loss of function.

Submission:

Labcorp Genetics (formerly Invitae), Labcorp
Classification: Uncertain significance for Familial cancer of breast. Last evaluated: 2025-11-26. Review status: criteria provided, single submitter. Criteria: Invitae Variant Classification Sherloc (09022015). Collection method: clinical testing. Allele origin: germline.
Comment: This sequence change replaces methionine, which is neutral and non-polar, with isoleucine, which is neutral and non-polar, at codon 664 of the PALB2 protein (p.Met664Ile). This variant is not present in population databases (gnomAD no frequency). This variant has not been reported in the literature in individuals affected with PALB2-related conditions. ClinVar contains an entry for this variant (Variation ID: 2741617). Invitae Evidence Modeling of protein sequence and biophysical properties (such as structural, functional, and spatial information, amino acid conservation, physicochemical variation, residue mobility, and thermodynamic stability) indicates that this missense variant is not expected to disrupt PALB2 protein function with a negative predictive value of 80%. In summary, the available evidence is currently insufficient to determine the role of this variant in disease. Therefore, it has been classified as a Variant of Uncertain Significance.

NM_024675.4(PALB2):c.1992G>A (p.Met664Ile)

Gene: PALB2 (partner and localizer of BRCA2; minus strand). Cytogenetic location: 16p12.2.
Variant type: single nucleotide variant.
Coding change: c.1992G>A on transcript NM_024675.4 (MANE Select); coding-DNA position 1992, G replaced by A.
Protein change: p.Met664Ile; replaces methionine 664 with isoleucine.
Molecular consequence: missense variant. On other transcripts: intron variant (1).
Genome position (GRCh38, 1-based): chr16:23,630,162, C>T on the plus strand (G>A on the coding strand, the complement: PALB2 is on the minus strand). VCF-style: chr16-23630162-C-T. GRCh37 (hg19) VCF-style: chr16-23641483-C-T.
Other names: c.1932G>A, p.Met644Ile (NM_001407296.1); c.1992G>A, p.Met664Ile (NM_001407297.1, NM_001407298.1, NM_001407299.1 and 3 more transcripts); c.1107G>A, p.Met369Ile (NM_001407304.1, NM_001407305.1, NM_001407306.1 and 5 more transcripts); c.204G>A, p.Met68Ile (NM_001407312.1, NM_001407313.1); c.49-887G>A (NM_001407314.1); short protein forms M664I, M68I, M369I, M644I.
Identifiers: ClinVar variation 2741617 (VCV002741617.3), dbSNP rs2142383999, ClinGen allele CA395127222.